The following is an entry in ClinVar:

ClinVar aggregate classification (germline): Pathogenic (1 of 4 stars; one submission).

Conditions:
Primary ciliary dyskinesia. Also called: Ciliary dyskinesia. Identifiers: Orphanet 244, MedGen C0008780, MONDO:0016575, HP:0012265.

Submission:

Labcorp Genetics (formerly Invitae), Labcorp
Classification: Pathogenic for Primary ciliary dyskinesia. Last evaluated: 2022-09-21. Review status: criteria provided, single submitter. Criteria: Invitae Variant Classification Sherloc (09022015). Collection method: clinical testing. Allele origin: germline.
Comment: This sequence change creates a premature translational stop signal (p.Lys4451Profs*7) in the DNAH11 gene. While this is not anticipated to result in nonsense mediated decay, it is expected to disrupt the last 66 amino acid(s) of the DNAH11 protein. This variant is not present in population databases (gnomAD no frequency). For these reasons, this variant has been classified as Pathogenic. This variant disrupts a region of the DNAH11 protein in which other variant(s) (p.Trp4505Serfs*10) have been determined to be pathogenic (Invitae). This suggests that this is a clinically significant region of the protein, and that variants that disrupt it are likely to be disease-causing. This variant has not been reported in the literature in individuals affected with DNAH11-related conditions.

NM_001277115.2(DNAH11):c.13320_13350dup (p.Lys4451delinsProSerArgAsnHisCysTer)

Genes: CDCA7L (cell division cycle associated 7 like; minus strand), DNAH11 (dynein axonemal heavy chain 11; plus strand). Cytogenetic location: 7p15.3.
Variant type: Duplication.
Coding change: c.13320_13350dup on transcript NM_001277115.2 (MANE Select); coding-DNA positions 13320 to 13350, 31 bases duplicated.
Protein change: p.Lys4451delinsProSerArgAsnHisCysTer.
Molecular consequence: nonsense. On other transcripts: 3 prime UTR variant (3).
Genome position (GRCh38, 1-based): chr7:21,901,023-21,901,053, 31 bases duplicated; duplicating any 31 consecutive bases within chr7:21,901,022-21,901,053 gives the same sequence; the c. name uses the placement nearest the transcript's 3' end. GRCh37 (hg19): chr7:21,940,641-21,940,671.
Other names: c.*1270_*1300dup (NM_001127370.3, NM_001127371.3, NM_018719.5).
Identifiers: ClinVar variation 1944204 (VCV001944204.5), dbSNP rs2534163477, ClinGen allele CA2580076938.
Genomic context (GRCh38, chr7:21,901,021, plus strand): 5'-AGTAGCAAGCTGCCACACAATTGCAACCGCTGTGTTTTTGCCATAGGCGCCCGCTGGGAC[A>ACCCAAGCAGGAACCATTGTTGAAGCCCGTCT]CCCAAGCAGGAACCATTGTTGAAGCCCGTCTCAAGGAGCTGGCATGCCCTATGCCGGTCA-3'